The following is an entry in ClinVar:

NM_014055.4(IFT81):c.1157T>C (p.Phe386Ser)

Gene: IFT81 (intraflagellar transport 81; plus strand). Cytogenetic location: 12q24.11.
Variant type: single nucleotide variant.
Coding change: c.1157T>C on transcript NM_014055.4 (MANE Select); coding-DNA position 1157, T replaced by C.
Protein change: p.Phe386Ser; replaces phenylalanine 386 with serine.
Molecular consequence: missense variant. On other transcripts: non-coding transcript variant (4).
Genome position (GRCh38, 1-based): chr12:110,163,034, T>C. VCF-style: chr12-110163034-T-C. GRCh37 (hg19) VCF-style: chr12-110600839-T-C.
Other names: c.1157T>C, p.Phe386Ser (NM_001143779.2, NM_001347946.2, NM_031473.4); c.227T>C, p.Phe76Ser (NM_001347947.2, NM_001347948.2); short protein forms F386S, F76S.
Identifiers: ClinVar variation 2003537 (VCV002003537.2), dbSNP rs1896226211, ClinGen allele CA386914351.
Genomic context (GRCh38, chr12:110,163,034, plus strand): 5'-AGGAGAAGTTAGCCAGCCTAGAGAGAGAAGCATCAGTAAAGAGAAATCAGACCCGTGAAT[T>C]TGATGGTACTGAAGTTTTAAAGGGAGATGAGGTAAGCTGAGCCATCTCATGGGACAAGGG-3'
Protein context (NP_054774.2, residues 376-396): ASVKRNQTRE[Phe386Ser]DGTEVLKGDE

ClinVar aggregate classification (germline): Uncertain significance (1 of 4 stars; one submission).

Allele frequency attached by ClinVar (database versions not stated): gnomAD exomes below 0.00001.
gnomAD v4.1: 2 of 1,613,950 alleles (0.00012%); highest among the groups gnomAD compares: Non-Finnish European, 0.00017%; no homozygotes.

Submission:

Labcorp Genetics (formerly Invitae), Labcorp
Classification: Uncertain significance. Last evaluated: 2022-06-08. Review status: criteria provided, single submitter. Criteria: Invitae Variant Classification Sherloc (09022015). Collection method: clinical testing. Allele origin: germline.
Comment: In summary, the available evidence is currently insufficient to determine the role of this variant in disease. Therefore, it has been classified as a Variant of Uncertain Significance. This sequence change replaces phenylalanine, which is neutral and non-polar, with serine, which is neutral and polar, at codon 386 of the IFT81 protein (p.Phe386Ser). This variant is not present in population databases (gnomAD no frequency). This variant has not been reported in the literature in individuals affected with IFT81-related conditions. Algorithms developed to predict the effect of missense changes on protein structure and function (SIFT, PolyPhen-2, Align-GVGD) all suggest that this variant is likely to be tolerated.